The following is an entry in ClinVar:

NM_000551.4(VHL):c.22_27dup (p.Trp8_Asp9dup)

Gene: VHL (von Hippel-Lindau tumor suppressor; plus strand). Cytogenetic location: 3p25.3.
Variant type: Duplication.
Coding change: c.22_27dup on transcript NM_000551.4 (MANE Select); coding-DNA positions 22 to 27, 6 bases duplicated (TGGGAC; older notation c.22_27dupTGGGAC).
Protein change: p.Trp8_Asp9dup.
Molecular consequence: inframe insertion.
Genome position (GRCh38, 1-based): chr3:10,141,869-10,141,874, TGGGAC duplicated; duplicating any 6 consecutive bases within chr3:10,141,867-10,141,874 gives the same sequence; the c. name uses the placement nearest the transcript's 3' end. VCF-style (leftmost placement, unchanged base first): chr3-10141866-A-AACTGGG. GRCh37 (hg19) VCF-style: chr3-10183550-A-AACTGGG.
Other names: c.22_27dup, p.Trp8_Asp9dup (NM_001354723.2, NM_198156.3).
Identifiers: ClinVar variation 1035305 (VCV001035305.9), dbSNP rs1696114336, ClinGen allele CA1345064834.
Genomic context (GRCh38, chr3:10,141,866, plus strand): 5'-ATCCCGCGGCGTCCGGCCCGGGTGGTCTGGATCGCGGAGGGAATGCCCCGGAGGGCGGAG[A>AACTGGG]ACTGGGACGAGGCCGAGGTAGGCGCGGAGGAGGCAGGCGTCGAAGAGTACGGCCCTGAAG-3'

ClinVar aggregate classification (germline): Uncertain significance (1 of 4 stars; one submission).

Conditions:
Chuvash polycythemia. Also called: POLYCYTHEMIA, VHL-DEPENDENT. Identifiers: Orphanet 238557, MedGen C1837915, MONDO:0009892, OMIM 263400.
Von Hippel-Lindau syndrome (VHLS). Also called: Von Hippel-Lindau; VHL syndrome; von Hippel–Lindau syndrome. Identifiers: Orphanet 892, MedGen C0019562, MONDO:0008667, OMIM 193300. Disease mechanism: loss of function.

Submission:

Labcorp Genetics (formerly Invitae), Labcorp
Classification: Uncertain significance for Von Hippel-Lindau syndrome; Chuvash polycythemia. Last evaluated: 2020-08-17. Review status: criteria provided, single submitter. Criteria: Invitae Variant Classification Sherloc (09022015). Collection method: clinical testing. Allele origin: germline.
Comment: Experimental studies and prediction algorithms are not available or were not evaluated, and the functional significance of this variant is currently unknown. This variant, c.22_27dup, results in the insertion of 2 amino acid(s) to the VHL protein (p.Trp8_Asp9dup), but otherwise preserves the integrity of the reading frame. The frequency data for this variant in the population databases is considered unreliable, as metrics indicate insufficient coverage at this position in the ExAC database. This variant has not been reported in the literature in individuals with VHL-related conditions. In summary, the available evidence is currently insufficient to determine the role of this variant in disease. Therefore, it has been classified as a Variant of Uncertain Significance.